The following is an entry in ClinVar:

NM_005273.4(GNB2):c.385C>T (p.Arg129Cys)

Gene: GNB2 (G protein subunit beta 2; plus strand). Cytogenetic location: 7q22.1.
Variant type: single nucleotide variant.
Coding change: c.385C>T on transcript NM_005273.4 (MANE Select); coding-DNA position 385, C replaced by T.
Protein change: p.Arg129Cys; replaces arginine 129 with cysteine.
Molecular consequence: missense variant.
Genome position (GRCh38, 1-based): chr7:100,677,615, C>T. VCF-style: chr7-100677615-C-T. GRCh37 (hg19) VCF-style: chr7-100275238-C-T.
Other names: short protein forms R129C.
Identifiers: ClinVar variation 2308832 (VCV002308832.2), dbSNP rs1269209736, ClinGen allele CA368515892.

ClinVar aggregate classification (germline): Uncertain significance (1 of 4 stars; one submission).

Conditions:
Inborn genetic diseases. Identifiers: MedGen C0950123, MeSH D030342.

gnomAD v4.1: 2 of 1,613,446 alleles (0.00012%); highest among the groups gnomAD compares: Non-Finnish European, 0.00017%; no homozygotes.

Submission:

Ambry Genetics
Classification: Uncertain significance for Inborn genetic diseases. Last evaluated: 2022-08-26. Review status: criteria provided, single submitter. Criteria: Ambry Variant Classification Scheme 2023. Collection method: clinical testing. Allele origin: germline.
Comment: The c.385C>T (p.R129C) alteration is located in exon 6 (coding exon 5) of the GNB2 gene. This alteration results from a C to T substitution at nucleotide position 385, causing the arginine (R) at amino acid position 129 to be replaced by a cysteine (C). This variant was not reported in population-based cohorts in the Genome Aggregation Database (gnomAD). This amino acid position is highly conserved in available vertebrate species. The in silico prediction for this alteration is inconclusive. Based on insufficient or conflicting evidence, the clinical significance of this alteration remains unclear.